The following is an entry in ClinVar:

NM_003846.3(PEX11B):c.188A>G (p.Asn63Ser)

Gene: PEX11B (peroxisomal biogenesis factor 11 beta; minus strand). Cytogenetic location: 1q21.1.
Variant type: single nucleotide variant.
Coding change: c.188A>G on transcript NM_003846.3 (MANE Select); coding-DNA position 188, A replaced by G.
Protein change: p.Asn63Ser; replaces asparagine 63 with serine.
Molecular consequence: missense variant. On other transcripts: non-coding transcript variant (3).
Genome position (GRCh38, 1-based): chr1:145,917,003, T>C on the plus strand (A>G on the coding strand, the complement: PEX11B is on the minus strand). VCF-style: chr1-145917003-T-C. GRCh37 (hg19) VCF-style: chr1-145518086-A-G.
Other names: c.146A>G, p.Asn49Ser (NM_001184795.1); short protein forms N49S, N63S.
Identifiers: ClinVar variation 4991790 (VCV004991790.1).

ClinVar aggregate classification (germline): Uncertain significance (1 of 4 stars; one submission).

Conditions:
PEX11B-related disorder. Also called: PEX11B-related condition.

gnomAD v4.1: 1 of 1,611,540 alleles (0.000062%); highest among the groups gnomAD compares: Non-Finnish European, 0.000085%; no homozygotes.

Submission:

PreventionGenetics, part of Exact Sciences
Classification: Uncertain significance for PEX11B-related condition. Last evaluated: 2025-10-19. Review status: criteria provided, single submitter. Criteria: ACMG Guidelines, 2015. Collection method: clinical testing. Allele origin: germline.
Comment: The PEX11B c.188A>G variant is predicted to result in the amino acid substitution p.Asn63Ser. To our knowledge, this variant has not been reported in the literature or in a large population database (gnomAD), indicating this variant is rare. At this time, the clinical significance of this variant is uncertain due to the absence of conclusive functional and genetic evidence.